The following is an entry in ClinVar:

ClinVar aggregate classification (germline): Uncertain significance (1 of 4 stars; one submission).

Submission:

Ambry Genetics
Classification: Uncertain significance. Last evaluated: 2024-09-01. Review status: criteria provided, single submitter. Criteria: Ambry Variant Classification Scheme 2023. Collection method: clinical testing. Allele origin: germline.
Comment: The p.E1470D variant (also known as c.4410G>C), located in coding exon 40 of the KIF1B gene, results from a G to C substitution at nucleotide position 4410. The glutamic acid at codon 1470 is replaced by aspartic acid, an amino acid with highly similar properties. This amino acid position is conserved. In addition, this alteration is predicted to be tolerated by in silico analysis. Based on the available evidence, the clinical significance of this variant remains unclear.

NM_001365951.3(KIF1B):c.4548G>C (p.Glu1516Asp)

Gene: KIF1B (kinesin family member 1B; plus strand). Cytogenetic location: 1p36.22.
Variant type: single nucleotide variant.
Coding change: c.4548G>C on transcript NM_001365951.3 (MANE Select); coding-DNA position 4548, G replaced by C.
Protein change: p.Glu1516Asp; replaces glutamic acid 1516 with aspartic acid.
Molecular consequence: missense variant.
Genome position (GRCh38, 1-based): chr1:10,365,444, G>C. VCF-style: chr1-10365444-G-C. GRCh37 (hg19) VCF-style: chr1-10425502-G-C.
Other names: c.4548G>C, p.Glu1516Asp (NM_001365952.1); c.4410G>C, p.Glu1470Asp (NM_015074.3); short protein forms E1516D, E1470D.
Identifiers: ClinVar variation 3533998 (VCV003533998.1).